The following is an entry in ClinVar:

NM_000535.7(PMS2):c.559dup (p.Val187fs)

Gene: PMS2 (PMS1 homolog 2, mismatch repair system component; minus strand). Cytogenetic location: 7p22.1.
Variant type: Duplication.
Coding change: c.559dup on transcript NM_000535.7 (MANE Select); coding-DNA position 559, one base duplicated (G; older notation c.559dupG).
Protein change: p.Val187fs; shifts the reading frame from valine 187.
Molecular consequence: frameshift variant. On other transcripts: non-coding transcript variant (1), intron variant (9).
Genome position (GRCh38, 1-based): chr7:5,999,254, C duplicated on the plus strand (G on the coding strand, the reverse complement: PMS2 is on the minus strand); the first of 2 consecutive C bases (chr7:5,999,254-5,999,255); duplicating either gives the same sequence. VCF-style (leftmost placement, unchanged base first): chr7-5999253-A-AC. GRCh37 (hg19) VCF-style: chr7-6038884-A-AC.
Other names: c.153dup, p.Val52Glyfs (NM_001018040.1); c.154dup, p.Val52fs (NM_001322003.2, NM_001322004.2, NM_001322005.2 and 21 more transcripts); c.559dup, p.Val187fs (NM_001322006.2, NM_001322014.2, NM_001406869.1 and 5 more transcripts); c.241dup, p.Val81fs (NM_001322007.2, NM_001322008.2, NM_001406876.1 and 4 more transcripts); c.250dup, p.Val84fs (NM_001322015.2, NM_001406875.1, NM_001406877.1 and 6 more transcripts); c.745dup, p.Val249fs (NM_001406866.1); c.583dup, p.Val195fs (NM_001406868.1); c.132+3199dup (NM_001406911.1); and 5 more; short protein forms V187fs, V195fs, V249fs, V52fs, V81fs, V84fs.
Identifiers: ClinVar variation 3075775 (VCV003075775.1), dbSNP rs2536324863, ClinGen allele CA2681677897.

ClinVar aggregate classification (germline): Likely pathogenic (1 of 4 stars; one submission).

Conditions:
Lynch syndrome. Identifiers: Orphanet 144, MedGen C4552100, MONDO:0005835. Disease mechanism: loss of function.

Submission:

Laboratory for Molecular Medicine, Mass General Brigham Personalized Medicine
Classification: Likely pathogenic for Lynch syndrome. Last evaluated: 2019-05-08. Review status: criteria provided, single submitter. Criteria: ACMG Guidelines, 2015. Collection method: clinical testing. Allele origin: germline.
Comment: The p.Val187GlyfsX62 variant in PMS2 has not been previously reported in individuals with Lynch syndrome and was absent from large population studies. This variant is predicted to cause a frameshift, which alters the protein’s amino acid sequence beginning at position 187 and leads to a premature termination codon 62 amino acids downstream. This alteration is then predicted to lead to a truncated or absent protein. Loss of function of the PMS2 gene is an established disease mechanism in autosomal dominant Lynch syndrome. In summary, although additional studies are required to fully establish its clinical significance, this variant meets criteria to be classified as likely pathogenic for autosomal dominant Lynch syndrome. ACMG/AMP Criteria applied: PVS1, PM2.